The following is an entry in ClinVar:

ClinVar aggregate classification (germline): Uncertain significance. Review status: criteria provided, multiple submitters, no conflicts (2 of 4 stars). 2 submissions from 2 submitters: Uncertain significance (2). Last evaluated 2025-09-24.

Conditions:
Inborn genetic diseases. Identifiers: MedGen C0950123, MeSH D030342.
Mosaic variegated aneuploidy syndrome 1 (MVA1). Also called: Warburton-Anyane-Yeboa syndrome. Identifiers: Orphanet 1052, MedGen C1850343, MONDO:0009759, OMIM 257300.

gnomAD v4.1: 2 of 1,614,060 alleles (0.00012%); highest among the groups gnomAD compares: African/African-American, 0.0027%; no homozygotes.

Submissions (2):

Labcorp Genetics (formerly Invitae), Labcorp
Classification: Uncertain significance for Mosaic variegated aneuploidy syndrome 1. Last evaluated: 2025-09-24. Review status: criteria provided, single submitter. Criteria: Invitae Variant Classification Sherloc (09022015). Collection method: clinical testing. Allele origin: germline.
Comment: This sequence change replaces aspartic acid, which is acidic and polar, with asparagine, which is neutral and polar, at codon 607 of the BUB1B protein (p.Asp607Asn). This variant is not present in population databases (gnomAD no frequency). This variant has not been reported in the literature in individuals affected with BUB1B-related conditions. ClinVar contains an entry for this variant (Variation ID: 3262203). An algorithm developed to predict the effect of missense changes on protein structure and function (PolyPhen-2) suggests that this variant is likely to be disruptive. In summary, the available evidence is currently insufficient to determine the role of this variant in disease. Therefore, it has been classified as a Variant of Uncertain Significance.

Ambry Genetics
Classification: Uncertain significance for Inborn genetic diseases. Last evaluated: 2024-06-17. Review status: criteria provided, single submitter. Criteria: Ambry Variant Classification Scheme 2023. Collection method: clinical testing. Allele origin: germline.
Comment: The p.D607N variant (also known as c.1819G>A), located in coding exon 15 of the BUB1B gene, results from a G to A substitution at nucleotide position 1819. The aspartic acid at codon 607 is replaced by asparagine, an amino acid with highly similar properties. This amino acid position is conserved. In addition, this alteration is predicted to be tolerated by in silico analysis. Based on the available evidence, the clinical significance of this variant remains unclear.

NM_001211.6(BUB1B):c.1819G>A (p.Asp607Asn)

Gene: BUB1B (BUB1 mitotic checkpoint serine/threonine kinase B; plus strand). Cytogenetic location: 15q15.1.
Variant type: single nucleotide variant.
Coding change: c.1819G>A on transcript NM_001211.6 (MANE Select); coding-DNA position 1819, G replaced by A.
Protein change: p.Asp607Asn; replaces aspartic acid 607 with asparagine.
Molecular consequence: missense variant.
Genome position (GRCh38, 1-based): chr15:40,206,268, G>A. VCF-style: chr15-40206268-G-A. GRCh37 (hg19) VCF-style: chr15-40498469-G-A.
Other names: short protein forms D607N.
Identifiers: ClinVar variation 3262203 (VCV003262203.2).